The following is an entry in ClinVar:

NM_001369268.1(ACAN):c.988G>A (p.Val330Met)

Gene: ACAN (aggrecan; plus strand). Cytogenetic location: 15q26.1.
Variant type: single nucleotide variant.
Coding change: c.988G>A on transcript NM_001369268.1 (MANE Select); coding-DNA position 988, G replaced by A.
Protein change: p.Val330Met; replaces valine 330 with methionine.
Molecular consequence: missense variant.
Genome position (GRCh38, 1-based): chr15:88,843,585, G>A. VCF-style: chr15-88843585-G-A. GRCh37 (hg19) VCF-style: chr15-89386816-G-A.
Other names: c.988G>A, p.Val330Met (NM_001135.4, NM_013227.4); short protein forms V330M.
Identifiers: ClinVar variation 1486824 (VCV001486824.8), dbSNP rs766293702, ClinGen allele CA7719416.
Genomic context (GRCh38, chr15:88,843,585, plus strand): 5'-CCCATCTCCAAGGCCCGGCCCAACTGCGGTGGCAACCTCCTGGGCGTGAGGACCGTCTAC[G>A]TGCATGCCAACCAGACGGGCTACCCCGACCCCTCATCCCGCTACGACGCCATCTGCTACA-3'
Protein context (NP_001356197.1, residues 320-340): GNLLGVRTVY[Val330Met]HANQTGYPDP

ClinVar aggregate classification (germline): Uncertain significance (1 of 4 stars; one submission).

Allele frequency attached by ClinVar (database versions not stated): ExAC 0.00001; TOPMed 0.00003; gnomAD 0.00005.
gnomAD v4.1: 20 of 1,607,430 alleles (0.0012%); highest among the groups gnomAD compares: African/African-American, 0.008%; no homozygotes.

Submission:

Labcorp Genetics (formerly Invitae), Labcorp
Classification: Uncertain significance. Last evaluated: 2026-01-12. Review status: criteria provided, single submitter. Criteria: Invitae Variant Classification Sherloc (09022015). Collection method: clinical testing. Allele origin: germline.
Comment: This sequence change replaces valine, which is neutral and non-polar, with methionine, which is neutral and non-polar, at codon 330 of the ACAN protein (p.Val330Met). This variant is present in population databases (rs766293702, gnomAD 0.01%). This variant has not been reported in the literature in individuals affected with ACAN-related conditions. ClinVar contains an entry for this variant (Variation ID: 1486824). Invitae Evidence Modeling of protein sequence and biophysical properties (such as structural, functional, and spatial information, amino acid conservation, physicochemical variation, residue mobility, and thermodynamic stability) indicates that this missense variant is not expected to disrupt ACAN protein function with a negative predictive value of 80%. In summary, the available evidence is currently insufficient to determine the role of this variant in disease. Therefore, it has been classified as a Variant of Uncertain Significance.